The following is an entry in ClinVar:

NM_001385125.1(OPN1SW):c.577C>T (p.Arg193Cys)

Gene: OPN1SW (opsin 1, short wave sensitive; minus strand). Cytogenetic location: 7q32.1.
Variant type: single nucleotide variant.
Coding change: c.577C>T on transcript NM_001385125.1 (MANE Select); coding-DNA position 577, C replaced by T.
Protein change: p.Arg193Cys; replaces arginine 193 with cysteine.
Molecular consequence: missense variant.
Genome position (GRCh38, 1-based): chr7:128,774,599, G>A on the plus strand (C>T on the coding strand, the complement: OPN1SW is on the minus strand). VCF-style: chr7-128774599-G-A. GRCh37 (hg19) VCF-style: chr7-128414653-G-A.
Other names: short protein forms R193C.
Identifiers: ClinVar variation 1899550 (VCV001899550.5), dbSNP rs777231081, ClinGen allele CA4472903.
Genomic context (GRCh38, chr7:128,774,599, plus strand): 5'-TGAGGGAGAGAGGCACAATGAAGCAGAAGATGAAGAGGAACCACGTATAGGACTCGCTGC[G>A]GTATTTGGTGCCCACGGTGTACCAGTCAGGGCCACAGGAACACTGCAGGCCCTCAGGGAT-3'
Protein context (NP_001372054.1, residues 183-203): PDWYTVGTKY[Arg193Cys]SESYTWFLFI

ClinVar aggregate classification (germline): Uncertain significance (1 of 4 stars; one submission).

Allele frequency attached by ClinVar (database versions not stated): ExAC 0.00001; gnomAD exomes 0.00001; TOPMed 0.00002; gnomAD 0.00003.

Submission:

Labcorp Genetics (formerly Invitae), Labcorp
Classification: Uncertain significance. Last evaluated: 2025-11-06. Review status: criteria provided, single submitter. Criteria: Invitae Variant Classification Sherloc (09022015). Collection method: clinical testing. Allele origin: germline.
Comment: This sequence change replaces arginine, which is basic and polar, with cysteine, which is neutral and slightly polar, at codon 196 of the OPN1SW protein (p.Arg196Cys). This variant is present in population databases (rs777231081, gnomAD 0.01%). This variant has not been reported in the literature in individuals affected with OPN1SW-related conditions. ClinVar contains an entry for this variant (Variation ID: 1899550). An algorithm developed to predict the effect of missense changes on protein structure and function outputs the following: PolyPhen-2: "Benign". The cysteine amino acid residue is found in multiple mammalian species, which suggests that this missense change does not adversely affect protein function. In summary, the available evidence is currently insufficient to determine the role of this variant in disease. Therefore, it has been classified as a Variant of Uncertain Significance.